The following is an entry in ClinVar:

NM_022367.4(SEMA4A):c.427G>A (p.Gly143Ser)

Gene: SEMA4A (semaphorin 4A; plus strand). Cytogenetic location: 1q22.
Variant type: single nucleotide variant.
Coding change: c.427G>A on transcript NM_022367.4 (MANE Select); coding-DNA position 427, G replaced by A.
Protein change: p.Gly143Ser; replaces glycine 143 with serine.
Molecular consequence: missense variant. On other transcripts: 5 prime UTR variant (2), intron variant (1).
Genome position (GRCh38, 1-based): chr1:156,158,451, G>A. VCF-style: chr1-156158451-G-A. GRCh37 (hg19) VCF-style: chr1-156128242-G-A.
Other names: c.427G>A, p.Gly143Ser (NM_001193300.2, NM_001193301.2, NM_001370567.1); c.130G>A, p.Gly44Ser (NM_001370568.1); c.-98G>A (NM_001370569.1, NM_001370571.1); c.67-268G>A (NM_001193302.2); short protein forms G143S, G44S.
Identifiers: ClinVar variation 599331 (VCV000599331.7), dbSNP rs773687726, ClinGen allele CA1155031.

ClinVar aggregate classification (germline): Uncertain significance. Review status: criteria provided, multiple submitters, no conflicts (2 of 4 stars). 4 submissions from 3 submitters: Uncertain significance (4). Last evaluated 2024-02-23.

Conditions:
Retinitis pigmentosa 35 (RP35). Identifiers: Orphanet 791, MedGen C1853214, MONDO:0012463, OMIM 610282.
Cone-rod dystrophy 10 (CORD10). Identifiers: Orphanet 1872, MedGen C1846529, MONDO:0012464, OMIM 610283.
Polyp of colon. Also called: Colon polyps. Identifiers: MedGen C0009376, MONDO:0021400.

Allele frequency attached by ClinVar (database versions not stated): gnomAD 0.00001; gnomAD exomes below 0.00001; ExAC 0.00001.
gnomAD v4.1: 7 of 1,613,796 alleles (0.00043%); highest among the groups gnomAD compares: Non-Finnish European, 0.00059%; no homozygotes.

Submissions (4):

Labcorp Genetics (formerly Invitae), Labcorp
Classification: Uncertain significance. Last evaluated: 2024-02-23. Review status: criteria provided, single submitter. Criteria: Invitae Variant Classification Sherloc (09022015). Collection method: clinical testing. Allele origin: germline.
Comment: This sequence change replaces glycine, which is neutral and non-polar, with serine, which is neutral and polar, at codon 143 of the SEMA4A protein (p.Gly143Ser). This variant is present in population databases (rs773687726, gnomAD 0.0009%). This variant has not been reported in the literature in individuals affected with SEMA4A-related conditions. ClinVar contains an entry for this variant (Variation ID: 599331). Advanced modeling of protein sequence and biophysical properties (such as structural, functional, and spatial information, amino acid conservation, physicochemical variation, residue mobility, and thermodynamic stability) performed at Invitae indicates that this missense variant is expected to disrupt SEMA4A protein function with a positive predictive value of 80%. In summary, the available evidence is currently insufficient to determine the role of this variant in disease. Therefore, it has been classified as a Variant of Uncertain Significance.

Genome-Nilou Lab
Classification: Uncertain significance for Cone-rod dystrophy 10. Last evaluated: 2023-04-11. Review status: criteria provided, single submitter. Criteria: ACMG Guidelines, 2015. Collection method: clinical testing. Allele origin: germline. Affected: no.

Genome-Nilou Lab
Classification: Uncertain significance for Retinitis pigmentosa 35. Last evaluated: 2023-04-11. Review status: criteria provided, single submitter. Criteria: ACMG Guidelines, 2015. Collection method: clinical testing. Allele origin: germline. Affected: no.

CSER _CC_NCGL, University of Washington
Classification: Uncertain significance for Colon polyps. Last evaluated: 2015-06-01. Review status: criteria provided, single submitter. Criteria: Amendola et al. (Genome Res. 2015). Collection method: research. Allele origin: germline. Affected: yes. Study: CSER - NEXT Medicine variant annotation.
Comment: This interpretation considers GERP score and allele frequency data, in addition to published reports of the variant in the literature, available at the time of review.